The following is an entry in ClinVar:

ClinVar aggregate classification (germline): Likely benign (0 of 4 stars; one submission).

Conditions:
DLG1-related disorder. Also called: DLG1-related condition.

Allele frequency attached by ClinVar (database versions not stated): TOPMed 0.00002; gnomAD 0.00005; ExAC 0.00012; 1000 Genomes Project 30x 0.00016; 1000 Genomes Project 0.00020.
gnomAD v4.1: 63 of 1,548,180 alleles (0.0041%); highest among the groups gnomAD compares: East Asian, 0.054%; no homozygotes.

Submission:

PreventionGenetics, part of Exact Sciences
Classification: Likely benign for DLG1-related condition. Last evaluated: 2021-07-19. Review status: no assertion criteria provided. Collection method: clinical testing. Allele origin: germline.
Comment: This variant is classified as likely benign based on ACMG/AMP sequence variant interpretation guidelines (Richards et al. 2015 PMID: 25741868, with internal and published modifications).

NM_001366207.1(DLG1):c.483+10859C>T

Gene: DLG1 (discs large MAGUK scaffold protein 1; minus strand). Cytogenetic location: 3q29.
Variant type: single nucleotide variant.
Coding change: c.483+10859C>T on transcript NM_001366207.1 (MANE Select); 10859 bases into the intron after coding-DNA position 483, C replaced by T.
Molecular consequence: intron variant.
Genome position (GRCh38, 1-based): chr3:197,183,566, G>A on the plus strand (C>T on the coding strand, the complement: DLG1 is on the minus strand). VCF-style: chr3-197183566-G-A. GRCh37 (hg19) VCF-style: chr3-196910437-G-A.
Other names: c.483+10859C>T (NM_001366203.1, NM_001290983.2, NM_001366204.1 and 19 more transcripts); c.234+9C>T (NM_001204388.2, NM_001204387.2, NM_001366222.1 and 1 more transcripts).
Identifiers: ClinVar variation 3029465 (VCV003029465.2), dbSNP rs557113489, ClinGen allele CA2785789.